The following is an entry in ClinVar:

ClinVar aggregate classification (germline): Uncertain significance (1 of 4 stars; one submission).

Submission:

Labcorp Genetics (formerly Invitae), Labcorp
Classification: Uncertain significance. Last evaluated: 2024-10-28. Review status: criteria provided, single submitter. Criteria: Invitae Variant Classification Sherloc (09022015). Collection method: clinical testing. Allele origin: germline.
Comment: This sequence change replaces valine, which is neutral and non-polar, with leucine, which is neutral and non-polar, at codon 74 of the ATP2A2 protein (p.Val74Leu). This variant is not present in population databases (gnomAD no frequency). This variant has not been reported in the literature in individuals affected with ATP2A2-related conditions. An algorithm developed to predict the effect of missense changes on protein structure and function (PolyPhen-2) suggests that this variant is likely to be tolerated. In summary, the available evidence is currently insufficient to determine the role of this variant in disease. Therefore, it has been classified as a Variant of Uncertain Significance.

NM_170665.4(ATP2A2):c.220G>C (p.Val74Leu)

Gene: ATP2A2 (ATPase sarcoplasmic/endoplasmic reticulum Ca2+ transporting 2; plus strand). Cytogenetic location: 12q24.11.
Variant type: single nucleotide variant.
Coding change: c.220G>C on transcript NM_170665.4 (MANE Select); coding-DNA position 220, G replaced by C.
Protein change: p.Val74Leu; replaces valine 74 with leucine.
Molecular consequence: missense variant. On other transcripts: 5 prime UTR variant (1), intron variant (1).
Genome position (GRCh38, 1-based): chr12:110,292,020, G>C. VCF-style: chr12-110292020-G-C. GRCh37 (hg19) VCF-style: chr12-110729825-G-C.
Other names: c.220G>C, p.Val74Leu (NM_001413014.1, NM_001681.4); c.-156G>C (NM_001413015.1); c.220-4579G>C (NM_001413013.1); short protein forms V74L.
Identifiers: ClinVar variation 3723981 (VCV003723981.2).
Genomic context (GRCh38, chr12:110,292,020, plus strand): 5'-TTTTAAAAAAGTGACATTAAGCCTAAAAAGACACATTCTAACGTGCCATTTCTCTTCTAG[G>C]TTTTGGCTTGGTTTGAAGAAGGTGAAGAAACAATTACAGCCTTTGTAGAACCTTTTGTAA-3'
Protein context (NP_733765.1, residues 64-84): ILLLAACISF[Val74Leu]LAWFEEGEET